The following is an entry in ClinVar:

NM_001130009.3(GEN1):c.110A>T (p.Glu37Val)

Gene: GEN1 (GEN1 structure-specific endonuclease; plus strand). Cytogenetic location: 2p24.2.
Variant type: single nucleotide variant.
Coding change: c.110A>T on transcript NM_001130009.3 (MANE Select); coding-DNA position 110, A replaced by T.
Protein change: p.Glu37Val; replaces glutamic acid 37 with valine.
Molecular consequence: missense variant.
Genome position (GRCh38, 1-based): chr2:17,760,053, A>T. VCF-style: chr2-17760053-A-T. GRCh37 (hg19) VCF-style: chr2-17941320-A-T.
Other names: c.110A>T, p.Glu37Val (NM_182625.5); short protein forms E37V.
Identifiers: ClinVar variation 4826305 (VCV004826305.1).

ClinVar aggregate classification (germline): Uncertain significance (1 of 4 stars; one submission).

Submission:

Ambry Genetics
Classification: Uncertain significance. Last evaluated: 2026-03-11. Review status: criteria provided, single submitter. Criteria: Ambry Variant Classification Scheme 2023. Collection method: clinical testing. Allele origin: germline.
Comment: The p.E37V variant (also known as c.110A>T), located in coding exon 1 of the GEN1 gene, results from an A to T substitution at nucleotide position 110. The glutamic acid at codon 37 is replaced by valine, an amino acid with dissimilar properties. This amino acid position is conserved. In addition, this alteration is predicted to be deleterious by in silico analysis. Based on the available evidence, the clinical significance of this variant remains unclear.